The following is an entry in ClinVar:

ClinVar aggregate classification (germline): Conflicting classifications of pathogenicity. Review status: criteria provided, conflicting classifications (1 of 4 stars). 2 submissions from 2 submitters: Uncertain significance (1); Likely benign (1). Last evaluated 2026-06-01.

gnomAD v4.1: 62 of 1,614,076 alleles (0.0038%); highest among the groups gnomAD compares: African/African-American, 0.047%; no homozygotes.

Submissions (2):

CeGaT Center for Human Genetics Tuebingen
Classification: Likely benign. Last evaluated: 2026-06-01. Review status: criteria provided, single submitter. Criteria: CeGaT Center For Human Genetics Tuebingen Variant Classification Criteria Version 2. Collection method: clinical testing. Allele origin: germline. Affected: yes. Observed: 1 variant allele.
Comment: ANGPTL7: BP4, BS1

Ambry Genetics
Classification: Uncertain significance. Last evaluated: 2025-04-17. Review status: criteria provided, single submitter. Criteria: Ambry Variant Classification Scheme 2023. Collection method: clinical testing. Allele origin: germline.

NM_021146.4(ANGPTL7):c.299G>T (p.Ser100Ile)

Genes: ANGPTL7 (angiopoietin like 7; plus strand), MTOR (mechanistic target of rapamycin kinase; minus strand). Cytogenetic location: 1p36.22.
Variant type: single nucleotide variant.
Coding change: c.299G>T on transcript NM_021146.4 (MANE Select); coding-DNA position 299, G replaced by T.
Protein change: p.Ser100Ile; replaces serine 100 with isoleucine.
Molecular consequence: missense variant. On other transcripts: intron variant (3).
Genome position (GRCh38, 1-based): chr1:11,189,878, G>T. VCF-style: chr1-11189878-G-T. GRCh37 (hg19) VCF-style: chr1-11249935-G-T.
Other names: c.3005+9380C>A (NM_001386501.1); c.4253+9380C>A (NM_004958.4, NM_001386500.1); short protein forms S100I.
Identifiers: ClinVar variation 4050049 (VCV004050049.3).
Genomic context (GRCh38, chr1:11,189,878, plus strand): 5'-AGGTGATGGAGCTGGAGAGCAACAGCAAGCGCATGGAGTCGCGGCTCACAGATGCTGAGA[G>T]CAAGTACTCCGAGATGAACAACCAAATTGACATCATGCAGCTGCAGGCAGCACAGACGGT-3'
Protein context (NP_066969.1, residues 90-110): RMESRLTDAE[Ser100Ile]KYSEMNNQID